The following is an entry in ClinVar:

ClinVar aggregate classification (germline): Conflicting classifications of pathogenicity. Review status: criteria provided, conflicting classifications (1 of 4 stars). 2 submissions from 2 submitters: Likely pathogenic (1); Uncertain significance (1). Last evaluated 2026-01-19.

Allele frequency attached by ClinVar (database versions not stated): gnomAD exomes below 0.00001; TOPMed 0.00001.
gnomAD v4.1: 1 of 1,211,151 alleles (0.000083%); highest among the groups gnomAD compares: Non-Finnish European, 0.00011%; no homozygotes.

Submissions (2):

Labcorp Genetics (formerly Invitae), Labcorp
Classification: Likely pathogenic. Last evaluated: 2026-01-19. Review status: criteria provided, single submitter. Criteria: Invitae Variant Classification Sherloc (09022015). Collection method: clinical testing. Allele origin: germline.
Comment: This sequence change replaces aspartic acid, which is acidic and polar, with tyrosine, which is neutral and polar, at codon 76 of the RP2 protein (p.Asp76Tyr). This variant is not present in population databases (gnomAD no frequency). This missense change has been observed in individuals with retinitis pigmentosa (PMID: 24265693, 32531858). ClinVar contains an entry for this variant (Variation ID: 1052537). Invitae Evidence Modeling of protein sequence and biophysical properties (such as structural, functional, and spatial information, amino acid conservation, physicochemical variation, residue mobility, and thermodynamic stability) indicates that this missense variant is expected to disrupt RP2 protein function with a positive predictive value of 95%. In summary, the currently available evidence indicates that the variant is pathogenic, but additional data are needed to prove that conclusively. Therefore, this variant has been classified as Likely Pathogenic.

Blueprint Genetics
Classification: Uncertain significance. Last evaluated: 2024-01-12. Review status: criteria provided, single submitter. Criteria: ACMG Guidelines, 2015. Collection method: clinical testing. Allele origin: germline.

Literature cited by the submitters: PubMed 24265693 (cited by Labcorp Genetics (formerly Invitae), Labcorp); PubMed 32531858 (cited by Labcorp Genetics (formerly Invitae), Labcorp).

NM_006915.3(RP2):c.226G>T (p.Asp76Tyr)

Gene: RP2 (RP2 activator of ARL3 GTPase; plus strand). Cytogenetic location: Xp11.3.
Variant type: single nucleotide variant.
Coding change: c.226G>T on transcript NM_006915.3 (MANE Select); coding-DNA position 226, G replaced by T.
Protein change: p.Asp76Tyr; replaces aspartic acid 76 with tyrosine.
Molecular consequence: missense variant.
Genome position (GRCh38, 1-based): chrX:46,853,599, G>T. VCF-style: chrX-46853599-G-T. GRCh37 (hg19) VCF-style: chrX-46713034-G-T.
Other names: short protein forms D76Y.
Identifiers: ClinVar variation 1052537 (VCV001052537.10), dbSNP rs1924898105, ClinGen allele CA413039066.